The following is an entry in ClinVar:

NM_005198.5(CHKB):c.910C>A (p.Pro304Thr)

Genes: CHKB (choline kinase beta; minus strand), CHKB-CPT1B (CHKB-CPT1B readthrough (NMD candidate); minus strand). Cytogenetic location: 22q13.33.
Variant type: single nucleotide variant.
Coding change: c.910C>A on transcript NM_005198.5 (MANE Select); coding-DNA position 910, C replaced by A.
Protein change: p.Pro304Thr; replaces proline 304 with threonine.
Molecular consequence: missense variant. On other transcripts: non-coding transcript variant (1).
Genome position (GRCh38, 1-based): chr22:50,579,991, G>T on the plus strand (C>A on the coding strand, the complement: CHKB is on the minus strand). VCF-style: chr22-50579991-G-T. GRCh37 (hg19) VCF-style: chr22-51018420-G-T.
Other names: c.910C>A (NM_005198.4); short protein forms P304T.
Identifiers: ClinVar variation 1493500 (VCV001493500.11), dbSNP rs1410044885, ClinGen allele CA412195420.

ClinVar aggregate classification (germline): Uncertain significance. Review status: criteria provided, multiple submitters, no conflicts (2 of 4 stars). 2 submissions from 2 submitters: Uncertain significance (2). Last evaluated 2025-11-25.

Conditions:
Megaconial type congenital muscular dystrophy (MDCMC). Also called: MUSCULAR DYSTROPHY, CONGENITAL, WITH MITOCHONDRIAL STRUCTURAL ABNORMALITIES; CHKB-Related Muscular Dystrophy; CHKB-Related Muscle Diseases. Identifiers: Orphanet 280671, MedGen C1865233, MONDO:0011246, OMIM 602541.
CHKB-related disorder. Also called: CHKB-related condition.

Allele frequency attached by ClinVar (database versions not stated): gnomAD exomes below 0.00001.

Submissions (2):

PreventionGenetics, part of Exact Sciences
Classification: Uncertain significance for CHKB-related condition. Last evaluated: 2025-11-25. Review status: criteria provided, single submitter. Criteria: ACMG Guidelines, 2015. Collection method: clinical testing. Allele origin: germline.
Comment: The CHKB c.910C>A variant is predicted to result in the amino acid substitution p.Pro304Thr. To our knowledge, this variant has not been reported in the literature or in a large population database (gnomAD), indicating this variant is rare. At this time, the clinical significance of this variant is uncertain due to the absence of conclusive functional and genetic evidence.

Labcorp Genetics (formerly Invitae), Labcorp
Classification: Uncertain significance for Megaconial type congenital muscular dystrophy. Last evaluated: 2021-03-08. Review status: criteria provided, single submitter. Criteria: Invitae Variant Classification Sherloc (09022015). Collection method: clinical testing. Allele origin: germline.
Comment: In summary, the available evidence is currently insufficient to determine the role of this variant in disease. Therefore, it has been classified as a Variant of Uncertain Significance. Algorithms developed to predict the effect of missense changes on protein structure and function are either unavailable or do not agree on the potential impact of this missense change (SIFT: "Deleterious"; PolyPhen-2: "Probably Damaging"; Align-GVGD: "Class C0"). This variant has been observed in individual(s) with clinical features of congenital muscular dystrophy (Invitae). This variant is not present in population databases (ExAC no frequency). This sequence change replaces proline with threonine at codon 304 of the CHKB protein (p.Pro304Thr). The proline residue is highly conserved and there is a small physicochemical difference between proline and threonine.